The following is an entry in ClinVar:

ClinVar aggregate classification (germline): Benign (1 of 4 stars; one submission).

Allele frequency attached by ClinVar (database versions not stated): gnomAD exomes 0.07350; gnomAD 0.17256 and 0.17882; TOPMed 0.19162; 1000 Genomes Project 0.20627; 1000 Genomes Project 30x 0.21159.
gnomAD v4.1: 79,573 of 866,842 alleles (9.2%); highest among the groups gnomAD compares: African/African-American, 42%; 7,624 homozygotes.

Submission:

GeneDx
Classification: Benign. Last evaluated: 2018-06-14. Review status: criteria provided, single submitter. Criteria: GeneDx Variant Classification (06012015). Collection method: clinical testing. Allele origin: germline. Affected: yes.
Comment: This variant is considered likely benign or benign based on one or more of the following criteria: it is a conservative change, it occurs at a poorly conserved position in the protein, it is predicted to be benign by multiple in silico algorithms, and/or has population frequency not consistent with disease.

NM_203447.4(DOCK8):c.1285+140G>A

Gene: DOCK8 (dedicator of cytokinesis 8; plus strand). Cytogenetic location: 9p24.3.
Variant type: single nucleotide variant.
Coding change: c.1285+140G>A on transcript NM_203447.4 (MANE Select); 140 bases into the intron after coding-DNA position 1285, G replaced by A.
Molecular consequence: intron variant.
Genome position (GRCh38, 1-based): chr9:334,524, G>A. VCF-style: chr9-334524-G-A. GRCh37 (hg19) VCF-style: chr9-334524-G-A.
Other names: c.1081+140G>A (NM_001193536.2, NM_001190458.2).
Identifiers: ClinVar variation 676816 (VCV000676816.1), dbSNP rs10813820, ClinGen allele CA13120530.
Genomic context (GRCh38, chr9:334,524, plus strand): 5'-GGGGGCACAGTGAGGTGTGGGAAGTGGGGAGGCAGAAGGAGATAAATAGAATGAAACACT[G>A]TTATGACTGGATTACGTAGATTTGGACGGTGATCTCCAAAAGAAATTATCACGAACATTG-3'